The following is an entry in ClinVar:

NM_005257.6(GATA6):c.1638G>T (p.Met546Ile)

Gene: GATA6 (GATA binding protein 6; plus strand). Cytogenetic location: 18q11.2.
Variant type: single nucleotide variant.
Coding change: c.1638G>T on transcript NM_005257.6 (MANE Select); coding-DNA position 1638, G replaced by T.
Protein change: p.Met546Ile; replaces methionine 546 with isoleucine.
Molecular consequence: missense variant.
Genome position (GRCh38, 1-based): chr18:22,200,673, G>T. VCF-style: chr18-22200673-G-T. GRCh37 (hg19) VCF-style: chr18-19780636-G-T.
Other names: short protein forms M546I.
Identifiers: ClinVar variation 2975059 (VCV002975059.3), dbSNP rs779755310, ClinGen allele CA8909059.

ClinVar aggregate classification (germline): Uncertain significance (1 of 4 stars; one submission).

Conditions:
Atrioventricular septal defect 5 (AVSD5). Identifiers: MedGen C3280939, MONDO:0013769, OMIM 614474.

Allele frequency attached by ClinVar (database versions not stated): TOPMed 0.00001; ExAC 0.00003; gnomAD exomes below 0.00001; gnomAD 0.00001.
gnomAD v4.1: 6 of 1,614,124 alleles (0.00037%); highest among the groups gnomAD compares: East Asian, 0.013%; no homozygotes.

Submission:

Labcorp Genetics (formerly Invitae), Labcorp
Classification: Uncertain significance for Atrioventricular septal defect 5. Last evaluated: 2025-03-26. Review status: criteria provided, single submitter. Criteria: Invitae Variant Classification Sherloc (09022015). Collection method: clinical testing. Allele origin: germline.
Comment: This sequence change replaces methionine, which is neutral and non-polar, with isoleucine, which is neutral and non-polar, at codon 546 of the GATA6 protein (p.Met546Ile). This variant is present in population databases (rs779755310, gnomAD 0.05%). This variant has not been reported in the literature in individuals affected with GATA6-related conditions. ClinVar contains an entry for this variant (Variation ID: 2975059). Invitae Evidence Modeling of protein sequence and biophysical properties (such as structural, functional, and spatial information, amino acid conservation, physicochemical variation, residue mobility, and thermodynamic stability) indicates that this missense variant is not expected to disrupt GATA6 protein function with a negative predictive value of 80%. In summary, the available evidence is currently insufficient to determine the role of this variant in disease. Therefore, it has been classified as a Variant of Uncertain Significance.